The following is an entry in ClinVar:

ClinVar aggregate classification (germline): Uncertain significance. Review status: criteria provided, multiple submitters, no conflicts (2 of 4 stars). 4 submissions from 4 submitters: Uncertain significance (3). 1 of the submissions does not count toward it. Last evaluated 2025-05-14.

Conditions:
Inborn genetic diseases. Identifiers: MedGen C0950123, MeSH D030342.
Isolated dental anomalies.

Allele frequency attached by ClinVar (database versions not stated): TOPMed 0.00001; gnomAD 0.00002.

Submissions (4):

Women's Health and Genetics/Laboratory Corporation of America, LabCorp
Classification: Uncertain significance. Last evaluated: 2025-05-14. Review status: criteria provided, single submitter. Criteria: LabCorp Variant Classification Summary - May 2015. Collection method: clinical testing. Allele origin: germline.
Comment: Variant summary: ANKRD11 c.7094C>T (p.Pro2365Leu) results in a non-conservative amino acid change in the encoded protein sequence. Algorithms developed to predict the effect of missense changes on protein structure and function are either unavailable or do not agree on the potential impact of this missense change. The variant was absent in 114288 control chromosomes. The available data on variant occurrences in the general population are insufficient to allow any conclusion about variant significance. To our knowledge, no occurrence of c.7094C>T in individuals affected with KBG Syndrome and no experimental evidence demonstrating its impact on protein function have been reported. ClinVar contains an entry for this variant (Variation ID: 2504124). Based on the evidence outlined above, the variant was classified as uncertain significance.

Ambry Genetics
Classification: Uncertain significance for Inborn genetic diseases. Last evaluated: 2025-02-27. Review status: criteria provided, single submitter. Criteria: Ambry Variant Classification Scheme 2023. Collection method: clinical testing. Allele origin: germline.

Centre of Medical Genetics, University Hospital Muenster
Classification: Uncertain significance. Last evaluated: 2023-03-13. Review status: criteria provided, single submitter. Criteria: ACMG Guidelines, 2015. Collection method: clinical testing. Allele origin: unknown. Affected: yes. Observed: 1 variant allele, 1 heterozygote.
Comment: ACMG categories: PM2,BP1

Center of Excellence in Medical Genetics Research, Chiang Mai University
Classification: Uncertain significance for Isolated dental anomalies. Last evaluated: 2026-08-18. Review status: no assertion criteria provided. Collection method: research. Allele origin: germline. Affected: yes. Observed: 1 variant allele. Not counted in ClinVar's aggregate classification.
Comment: NM_013275.6:c.7094C>T is a missense variant in ANKRD11. The in silico mutation prediction results were MutationTaster (Disease Causing; 0.999999958083705), PolyPhen-2 (Probably Damaging; 1.0), SIFT (Benign Moderate; 0.116), CADD (20.6), and DANN (Uncertain; 0.9974). It occurs at an extremely low frequency in the gnomAD population database (gnomAD Global = 0.00001548, South Asian = 0, East Asian = 0) and is absent in the T-Rex database (Thai exomes: 0/2184) (PM2). In summary, this variant meets criteria to be classified as a variant of uncertain significance (VUS) for isolated dental anomalies based on the ACMG/AMP criteria applied.

NM_013275.6(ANKRD11):c.7094C>T (p.Pro2365Leu)

Gene: ANKRD11 (ankyrin repeat domain 11; minus strand). Cytogenetic location: 16q24.3.
Variant type: single nucleotide variant.
Coding change: c.7094C>T on transcript NM_013275.6 (MANE Select); coding-DNA position 7094, C replaced by T.
Protein change: p.Pro2365Leu; replaces proline 2365 with leucine.
Molecular consequence: missense variant.
Genome position (GRCh38, 1-based): chr16:89,279,448, G>A on the plus strand (C>T on the coding strand, the complement: ANKRD11 is on the minus strand). VCF-style: chr16-89279448-G-A. GRCh37 (hg19) VCF-style: chr16-89345856-G-A.
Other names: c.7094C>T, p.Pro2365Leu (NM_001256182.2, NM_001256183.2); c.7094C>T (NM_013275.4); short protein forms P2365L.
Identifiers: ClinVar variation 2504124 (VCV002504124.5), dbSNP rs1258300974, ClinGen allele CA397149338.